The following is an entry in ClinVar:

ClinVar aggregate classification (germline): Benign (1 of 4 stars; one submission).

Conditions:
Geroderma osteodysplastica (GO). Also called: WALT DISNEY DWARFISM; Geroderma osteodysplasticum. Identifiers: Orphanet 2078, MedGen C0432255, MONDO:0009271, OMIM 231070.

Allele frequency attached by ClinVar (database versions not stated): 1000 Genomes Project 30x 0.00187; ExAC 0.00019; gnomAD exomes 0.00019 and 0.00066; gnomAD 0.00033 and 0.00041; TOPMed 0.00067; 1000 Genomes Project 0.00160.
gnomAD v4.1: 131 of 453,196 alleles (0.029%); highest among the groups gnomAD compares: East Asian, 0.75%; 1 homozygote.

Submission:

Illumina Laboratory Services, Illumina
Classification: Benign for Geroderma osteodysplastica. Last evaluated: 2018-01-13. Review status: criteria provided, single submitter. Criteria: ICSL Variant Classification Criteria 13 December 2019. Collection method: clinical testing. Allele origin: germline.
Comment: This variant was observed in the ICSL laboratory as part of a predisposition screen in an ostensibly healthy population. It had not been previously curated by ICSL or reported in the Human Gene Mutation Database (HGMD: prior to June 1st, 2018), and was therefore a candidate for classification through an automated scoring system. Utilizing variant allele frequency, disease prevalence and penetrance estimates, and inheritance mode, an automated score was calculated to assess if this variant is too frequent to cause the disease. Based on the score and internal cut-off values, a variant classified as benign is not then subjected to further curation. The score for this variant resulted in a classification of benign for this disease.

NM_152281.3(GORAB):c.*1298T>C

Gene: GORAB (golgin, RAB6 interacting; plus strand). Cytogenetic location: 1q24.2.
Variant type: single nucleotide variant.
Coding change: c.*1298T>C on transcript NM_152281.3 (MANE Select); 1298 bases downstream of the stop codon, T replaced by C.
Molecular consequence: 3 prime UTR variant. On other transcripts: non-coding transcript variant (1).
Genome position (GRCh38, 1-based): chr1:170,553,760, T>C. VCF-style: chr1-170553760-T-C. GRCh37 (hg19) VCF-style: chr1-170522901-T-C.
Other names: c.*1298T>C (NM_001320252.2).
Identifiers: ClinVar variation 293684 (VCV000293684.5), dbSNP rs185248405, ClinGen allele CA1239396.
Genomic context (GRCh38, chr1:170,553,760, plus strand): 5'-AACATTTTACTACTGACTTCTCTAAACAGAAGCATTTCTATAGATAGTTGTGCTTTTATT[T>C]ATGAAATACATAAAAGCCAACAGTTTCATTGTCTAACACACTTCTTTTTCTAAGGAATAA-3'